The following is an entry in ClinVar:

ClinVar aggregate classification (germline): Uncertain significance. Review status: criteria provided, multiple submitters, no conflicts (2 of 4 stars). 2 submissions from 2 submitters: Uncertain significance (2). Last evaluated 2025-06-25.

Conditions:
Aortic aneurysm, familial thoracic 7 (AAT7). Also called: AORTIC DISSECTION, FAMILIAL, WITH OR WITHOUT AORTIC ANEURYSM. Identifiers: MedGen C3151077, MONDO:0013418, OMIM 613780.

Allele frequency attached by ClinVar (database versions not stated): gnomAD exomes below 0.00001.
gnomAD v4.1: 1 of 1,613,658 alleles (0.000062%); highest among the groups gnomAD compares: Non-Finnish European, 0.000085%; no homozygotes.

Submissions (2):

Labcorp Genetics (formerly Invitae), Labcorp
Classification: Uncertain significance for Aortic aneurysm, familial thoracic 7. Last evaluated: 2025-06-25. Review status: criteria provided, single submitter. Criteria: Invitae Variant Classification Sherloc (09022015). Collection method: clinical testing. Allele origin: germline.
Comment: This sequence change replaces proline, which is neutral and non-polar, with arginine, which is basic and polar, at codon 974 of the MYLK protein (p.Pro974Arg). This variant is not present in population databases (gnomAD no frequency). This variant has not been reported in the literature in individuals affected with MYLK-related conditions. ClinVar contains an entry for this variant (Variation ID: 450847). Invitae Evidence Modeling of protein sequence and biophysical properties (such as structural, functional, and spatial information, amino acid conservation, physicochemical variation, residue mobility, and thermodynamic stability) indicates that this missense variant is not expected to disrupt MYLK protein function with a negative predictive value of 80%. In summary, the available evidence is currently insufficient to determine the role of this variant in disease. Therefore, it has been classified as a Variant of Uncertain Significance.

GeneDx
Classification: Uncertain significance. Last evaluated: 2017-07-24. Review status: criteria provided, single submitter. Criteria: GeneDx Variant Classification (06012015). Collection method: clinical testing. Allele origin: germline. Affected: yes.
Comment: A variant of uncertain significance has been identified in the MYLK gene. The P974R variant has not been published as pathogenic or been reported as benign to our knowledge. The P974R variant is not observed in large population cohorts (Lek et al., 2016; 1000 Genomes Consortium et al., 2015; Exome Variant Server). The P974R variant is a non-conservative amino acid substitution, which is likely to impact secondary protein structure as these residues differ in polarity, charge, size and/or other properties. However, this substitution occurs at a position that is not conserved and arginine (R) is the wild-type amino acid at this position in at least one species. Furthermore, in silico analysis predicts this variant likely does not alter the protein structure/function.

NM_053025.4(MYLK):c.2921C>G (p.Pro974Arg)

Gene: MYLK (myosin light chain kinase; minus strand). Cytogenetic location: 3q21.1.
Variant type: single nucleotide variant.
Coding change: c.2921C>G on transcript NM_053025.4 (MANE Select); coding-DNA position 2921, C replaced by G.
Protein change: p.Pro974Arg; replaces proline 974 with arginine.
Molecular consequence: missense variant.
Genome position (GRCh38, 1-based): chr3:123,700,547, G>C on the plus strand (C>G on the coding strand, the complement: MYLK is on the minus strand). VCF-style: chr3-123700547-G-C. GRCh37 (hg19) VCF-style: chr3-123419394-G-C.
Other names: c.2393C>G, p.Pro798Arg (NM_001321309.2); c.2714C>G, p.Pro905Arg (NM_053026.4, NM_053028.4); c.2921C>G, p.Pro974Arg (NM_053027.4); short protein forms P974R, P905R, P798R.
Identifiers: ClinVar variation 450847 (VCV000450847.3), dbSNP rs1553803753, ClinGen allele CA354230716.
Genomic context (GRCh38, chr3:123,700,547, plus strand): 5'-TCTGCTGGTAATTTCTTCTTGCCACCCAGCACTGAGCGAAAATCCGGGGTGGCAGGTTTT[G>C]GCGGTGGCACCTTCTCAGGCACGGGGGTCTTGGAAGTCCCCTTCTTGGCCAGGACAGAGC-3'
Protein context (NP_444253.3, residues 964-984): KTPVPEKVPP[Pro974Arg]KPATPDFRSV